The following is an entry in ClinVar:

NM_000455.5(STK11):c.1071G>A (p.Glu357=)

Genes: STK11 (serine/threonine kinase 11; plus strand), LOC130062899 (ATAC-STARR-seq lymphoblastoid active region 13597; plus strand). Cytogenetic location: 19p13.3.
Variant type: single nucleotide variant.
Coding change: c.1071G>A on transcript NM_000455.5 (MANE Select); coding-DNA position 1071, G replaced by A.
Protein change: p.Glu357=; no amino-acid change (glutamic acid 357 retained).
Molecular consequence: synonymous variant.
Genome position (GRCh38, 1-based): chr19:1,223,135, G>A. VCF-style: chr19-1223135-G-A. GRCh37 (hg19) VCF-style: chr19-1223134-G-A.
Identifiers: ClinVar variation 569244 (VCV000569244.9), dbSNP rs556651007, ClinGen allele CA504707791.

ClinVar aggregate classification (germline): Benign/Likely benign. Review status: criteria provided, multiple submitters, no conflicts (2 of 4 stars). 3 submissions from 3 submitters: Benign (1); Likely benign (2). Last evaluated 2025-05-27.

Conditions:
Peutz-Jeghers syndrome (PJS). Also called: Peutz-Jeghers polyposis; Periorificial lentiginosis syndrome; POLYPOSIS, HAMARTOMATOUS INTESTINAL; POLYPS-AND-SPOTS SYNDROME. Identifiers: Orphanet 2869, MedGen C0031269, MeSH D010580, MONDO:0008280, OMIM 175200.
Hereditary cancer-predisposing syndrome. Also called: Hereditary neoplastic syndrome; Neoplastic Syndromes, Hereditary; Hereditary Cancer Syndrome; Tumor predisposition. Identifiers: Orphanet 140162, MedGen C0027672, MeSH D009386, MONDO:0015356.

Submissions (3):

Labcorp Genetics (formerly Invitae), Labcorp
Classification: Likely benign for Peutz-Jeghers syndrome. Last evaluated: 2025-05-27. Review status: criteria provided, single submitter. Criteria: Invitae Variant Classification Sherloc (09022015). Collection method: clinical testing. Allele origin: germline.

Myriad Genetics, Inc.
Classification: Benign for Peutz-Jeghers syndrome. Last evaluated: 2025-03-28. Review status: criteria provided, single submitter. Criteria: Myriad Autosomal Dominant, Autosomal Recessive and X-Linked Classification Criteria (2023). Collection method: clinical testing. Allele origin: unknown.
Comment: This variant is considered benign. This variant is a silent/synonymous amino acid change and it is not expected to impact splicing.

Ambry Genetics
Classification: Likely benign for Hereditary cancer-predisposing syndrome. Last evaluated: 2015-12-23. Review status: criteria provided, single submitter. Criteria: Ambry Variant Classification Scheme 2023. Collection method: clinical testing. Allele origin: germline.